The following is an entry in ClinVar:

NM_005996.4(TBX3):c.2082A>G (p.Lys694=)

Gene: TBX3 (T-box transcription factor 3; minus strand). Cytogenetic location: 12q24.21.
Variant type: single nucleotide variant.
Coding change: c.2082A>G on transcript NM_005996.4 (MANE Select); coding-DNA position 2082, A replaced by G.
Protein change: p.Lys694=; no amino-acid change (lysine 694 retained).
Molecular consequence: synonymous variant.
Genome position (GRCh38, 1-based): chr12:114,671,931, T>C on the plus strand (A>G on the coding strand, the complement: TBX3 is on the minus strand). VCF-style: chr12-114671931-T-C. GRCh37 (hg19) VCF-style: chr12-115109736-T-C.
Other names: c.2142A>G, p.Lys714= (NM_016569.4).
Identifiers: ClinVar variation 307353 (VCV000307353.18), dbSNP rs34831817, ClinGen allele CA6809783.

ClinVar aggregate classification (germline): Benign/Likely benign. Review status: criteria provided, multiple submitters, no conflicts (2 of 4 stars). 5 submissions from 5 submitters: Benign (4); Likely benign (1). Last evaluated 2026-01-25.

Conditions:
Ulnar-mammary syndrome (UMS). Also called: SCHINZEL SYNDROME; Ulnar-mammary syndrome of Pallister; PALLISTER ULNAR-MAMMARY SYNDROME. Identifiers: Orphanet 3138, MedGen C1866994, MONDO:0008411, OMIM 181450.

Allele frequency attached by ClinVar (database versions not stated): gnomAD exomes 0.00119 and 0.00314; ExAC 0.00961; gnomAD 0.01251 and 0.01295; ESP Exome Variant Server 0.01378; TOPMed 0.01411; 1000 Genomes Project 0.01917; 1000 Genomes Project 30x 0.01936.
gnomAD v4.1: 3,722 of 1,591,200 alleles (0.23%); highest among the groups gnomAD compares: African/African-American, 4.2%; 67 homozygotes.

Submissions (5):

Labcorp Genetics (formerly Invitae), Labcorp
Classification: Benign for Ulnar-mammary syndrome. Last evaluated: 2026-01-25. Review status: criteria provided, single submitter. Criteria: Invitae Variant Classification Sherloc (09022015). Collection method: clinical testing. Allele origin: germline.

Fulgent Genetics
Classification: Likely benign for Ulnar-mammary syndrome. Last evaluated: 2022-05-11. Review status: criteria provided, single submitter. Criteria: ACMG Guidelines, 2015. Collection method: clinical testing. Allele origin: unknown.

GeneDx
Classification: Benign. Last evaluated: 2021-06-11. Review status: criteria provided, single submitter. Criteria: GeneDx Variant Classification Process June 2021. Collection method: clinical testing. Allele origin: germline. Affected: yes.

Illumina Laboratory Services, Illumina
Classification: Benign for Ulnar-mammary syndrome. Last evaluated: 2018-01-13. Review status: criteria provided, single submitter. Criteria: ICSL Variant Classification Criteria 13 December 2019. Collection method: clinical testing. Allele origin: germline.
Comment: This variant was observed in the ICSL laboratory as part of a predisposition screen in an ostensibly healthy population. It had not been previously curated by ICSL or reported in the Human Gene Mutation Database (HGMD: prior to June 1st, 2018), and was therefore a candidate for classification through an automated scoring system. Utilizing variant allele frequency, disease prevalence and penetrance estimates, and inheritance mode, an automated score was calculated to assess if this variant is too frequent to cause the disease. Based on the score and internal cut-off values, a variant classified as benign is not then subjected to further curation. The score for this variant resulted in a classification of benign for this disease.

Breakthrough Genomics
Classification: Benign. Review status: criteria provided, single submitter. Criteria: ACMG Guidelines, 2015. Collection method: not provided. Allele origin: germline. Inheritance: Autosomal dominant inheritance. Affected: yes.